The following is an entry in ClinVar:

NM_025243.4(SLC19A3):c.549T>C (p.Ala183=)

Gene: SLC19A3 (solute carrier family 19 member 3; minus strand). Cytogenetic location: 2q36.3.
Variant type: single nucleotide variant.
Coding change: c.549T>C on transcript NM_025243.4 (MANE Select); coding-DNA position 549, T replaced by C.
Protein change: p.Ala183=; no amino-acid change (alanine 183 retained).
Molecular consequence: synonymous variant.
Genome position (GRCh38, 1-based): chr2:227,699,166, A>G on the plus strand (T>C on the coding strand, the complement: SLC19A3 is on the minus strand). VCF-style: chr2-227699166-A-G. GRCh37 (hg19) VCF-style: chr2-228563882-A-G.
Other names: p.A183A:GCT>GCC; p.Ala183=.
Identifiers: ClinVar variation 130325 (VCV000130325.23), dbSNP rs74693100, ClinGen allele CA289053.

ClinVar aggregate classification (germline): Benign. Review status: criteria provided, multiple submitters, no conflicts (2 of 4 stars). 9 submissions from 9 submitters: Benign (8). 1 of the submissions does not count toward it. Last evaluated 2026-02-04.

Conditions:
Biotin-responsive basal ganglia disease (BTBGD). Also called: Thiamine metabolism dysfunction syndrome type 2; Thiamine Transporter-2 Deficiency; Thiamine metabolism dysfunction syndrome 2 (biotin- or thiamine-responsive encephalopathy type 2); thiamine-responsive encephalopathy; THIAMINE METABOLISM DYSFUNCTION SYNDROME 2 (BIOTIN- AND THIAMINE-RESPONSIVE TYPE). Identifiers: Orphanet 199348, Orphanet 65284, MedGen C1843807, MONDO:0011841, OMIM 607483.

Allele frequency attached by ClinVar (database versions not stated): gnomAD 0.04158 and 0.04490; TOPMed 0.04591; 1000 Genomes Project 0.04653; ESP Exome Variant Server 0.04690; 1000 Genomes Project 30x 0.05231.
gnomAD v4.1: 12,276 of 1,614,154 alleles (0.76%); highest among the groups gnomAD compares: African/African-American, 14%; 760 homozygotes.

Submissions (9):

Labcorp Genetics (formerly Invitae), Labcorp
Classification: Benign for Biotin-responsive basal ganglia disease. Last evaluated: 2026-02-04. Review status: criteria provided, single submitter. Criteria: Invitae Variant Classification Sherloc (09022015). Collection method: clinical testing. Allele origin: germline.

Blueprint Genetics
Classification: Benign. Last evaluated: 2024-11-25. Review status: criteria provided, single submitter. Criteria: ACMG Guidelines, 2015. Collection method: clinical testing. Allele origin: germline.

Athena Diagnostics
Classification: Benign. Last evaluated: 2024-06-04. Review status: criteria provided, single submitter. Criteria: Athena Diagnostics Criteria. Collection method: clinical testing. Allele origin: unknown.

Mayo Clinic Laboratories, Mayo Clinic
Classification: Benign. Last evaluated: 2022-03-22. Review status: criteria provided, single submitter. Criteria: ACMG Guidelines, 2015. Collection method: clinical testing. Allele origin: germline. Observed: 54 variant alleles.

Illumina Laboratory Services, Illumina
Classification: Benign for Biotin-responsive basal ganglia disease. Last evaluated: 2018-01-12. Review status: criteria provided, single submitter. Criteria: ICSL Variant Classification Criteria 13 December 2019. Collection method: clinical testing. Allele origin: germline.
Comment: This variant was observed in the ICSL laboratory as part of a predisposition screen in an ostensibly healthy population. It had not been previously curated by ICSL or reported in the Human Gene Mutation Database (HGMD: prior to June 1st, 2018), and was therefore a candidate for classification through an automated scoring system. Utilizing variant allele frequency, disease prevalence and penetrance estimates, and inheritance mode, an automated score was calculated to assess if this variant is too frequent to cause the disease. Based on the score and internal cut-off values, a variant classified as benign is not then subjected to further curation. The score for this variant resulted in a classification of benign for this disease.

GeneDx
Classification: Benign. Last evaluated: 2014-02-04. Review status: criteria provided, single submitter. Criteria: GeneDx Variant Classification (06012015). Collection method: clinical testing. Allele origin: germline. Affected: yes.
Comment: This variant is considered likely benign or benign based on one or more of the following criteria: it is a conservative change, it occurs at a poorly conserved position in the protein, it is predicted to be benign by multiple in silico algorithms, and/or has population frequency not consistent with disease.

Breakthrough Genomics
Classification: Benign. Review status: criteria provided, single submitter. Criteria: ACMG Guidelines, 2015. Collection method: not provided. Allele origin: germline. Inheritance: Autosomal recessive inheritance. Affected: yes.

PreventionGenetics, part of Exact Sciences
Classification: Benign. Review status: criteria provided, single submitter. Criteria: ACMG Guidelines, 2015. Collection method: clinical testing. Allele origin: germline.

Genetic Services Laboratory, University of Chicago
Classification: Likely benign for AllHighlyPenetrant. Review status: no assertion criteria provided. Collection method: clinical testing. Allele origin: germline. Inheritance: Autosomal recessive inheritance. Not counted in ClinVar's aggregate classification.
Comment: Likely benign based on allele frequency in 1000 Genomes Project or ESP global frequency and its presence in a patient with a rare or unrelated disease phenotype. NOT Sanger confirmed.